The following is an entry in ClinVar:

NM_001846.4(COL4A2):c.3246C>T (p.Gly1082=)

Gene: COL4A2 (collagen type IV alpha 2 chain; plus strand). Cytogenetic location: 13q34.
Variant type: single nucleotide variant.
Coding change: c.3246C>T on transcript NM_001846.4 (MANE Select); coding-DNA position 3246, C replaced by T.
Protein change: p.Gly1082=; no amino-acid change (glycine 1082 retained).
Molecular consequence: synonymous variant.
Genome position (GRCh38, 1-based): chr13:110,489,483, C>T. VCF-style: chr13-110489483-C-T. GRCh37 (hg19) VCF-style: chr13-111141830-C-T.
Identifiers: ClinVar variation 1452935 (VCV001452935.33), dbSNP rs373937864, ClinGen allele CA7050128.
Genomic context (GRCh38, chr13:110,489,483, plus strand): 5'-GATGGTTCATGTCTGTCTTTAGGGTGACAAAGGTGCCCCAGGGAGAGCAGGCCTGTATGG[C>T]GAGATTGGCGCGACTGGTGATTTCGGTGAGTGTTGCCCGTCCAGTGAAAACAGGGAGTCC-3'
Protein context (NP_001837.2, residues 1072-1092): KGAPGRAGLY[Gly1082=]EIGATGDFGD

ClinVar aggregate classification (germline): Likely benign. Review status: criteria provided, multiple submitters, no conflicts (2 of 4 stars). 3 submissions from 3 submitters: Likely benign (3). Last evaluated 2025-07-06.

Allele frequency attached by ClinVar (database versions not stated): ExAC 0.00007; gnomAD 0.00007 and 0.00008; ESP Exome Variant Server 0.00016; gnomAD exomes 0.00004.
gnomAD v4.1: 66 of 1,614,004 alleles (0.0041%); highest among the groups gnomAD compares: African/African-American, 0.013%; no homozygotes.

Submissions (4):

Labcorp Genetics (formerly Invitae), Labcorp
Classification: Likely benign. Last evaluated: 2025-07-06. Review status: criteria provided, single submitter. Criteria: Invitae Variant Classification Sherloc (09022015). Collection method: clinical testing. Allele origin: germline.

Blueprint Genetics
Classification: Likely benign. Last evaluated: 2023-12-29. Review status: criteria provided, single submitter. Criteria: ACMG Guidelines, 2015. Collection method: clinical testing. Allele origin: germline.

CeGaT Center for Human Genetics Tuebingen
Classification: Likely benign. Last evaluated: 2023-02-01. Review status: criteria provided, single submitter. Criteria: CeGaT Center For Human Genetics Tuebingen Variant Classification Criteria Version 2. Collection method: clinical testing. Allele origin: germline. Affected: yes. Observed: 1 variant allele.
Comment: COL4A2: BP4, BP7

Dr. Peter K. Rogan Lab, Western University
No classification provided (evidence only). Condition: Uterine corpus endometrial carcinoma. Review status: no classification provided. Collection method: in vitro. Allele origin: not applicable. Functional consequence: retained intron. Not counted in ClinVar's aggregate classification.